The following is an entry in ClinVar:

NM_001478.5(B4GALNT1):c.1204G>C (p.Val402Leu)

Gene: B4GALNT1 (beta-1,4-N-acetyl-galactosaminyltransferase 1; minus strand). Cytogenetic location: 12q13.3.
Variant type: single nucleotide variant.
Coding change: c.1204G>C on transcript NM_001478.5 (MANE Select); coding-DNA position 1204, G replaced by C.
Protein change: p.Val402Leu; replaces valine 402 with leucine.
Molecular consequence: missense variant.
Genome position (GRCh38, 1-based): chr12:57,627,798, C>G on the plus strand (G>C on the coding strand, the complement: B4GALNT1 is on the minus strand). VCF-style: chr12-57627798-C-G. GRCh37 (hg19) VCF-style: chr12-58021581-C-G.
Other names: c.1039G>C, p.Val347Leu (NM_001276468.2, NM_001413978.1); c.1372G>C, p.Val458Leu (NM_001413967.1); c.1339G>C, p.Val447Leu (NM_001413968.1, NM_001413969.1); c.1237G>C, p.Val413Leu (NM_001413970.1, NM_001413971.1, NM_001413972.1); c.1204G>C, p.Val402Leu (NM_001413973.1, NM_001413974.1); c.1105G>C, p.Val369Leu (NM_001413977.1); c.352G>C, p.Val118Leu (NM_001413981.1); c.250G>C, p.Val84Leu (NM_001413982.1); and 1 more; short protein forms V369L, V458L, V84L, V402L, V73L, V118L, V413L, V447L.
Identifiers: ClinVar variation 2178429 (VCV002178429.4), dbSNP rs377044701, ClinGen allele CA385494940.

ClinVar aggregate classification (germline): Uncertain significance (1 of 4 stars; one submission).

Conditions:
Spastic paraplegia. Identifiers: MedGen C0037772, HP:0001258.

Submission:

Labcorp Genetics (formerly Invitae), Labcorp
Classification: Uncertain significance for Spastic paraplegia. Last evaluated: 2022-06-08. Review status: criteria provided, single submitter. Criteria: Invitae Variant Classification Sherloc (09022015). Collection method: clinical testing. Allele origin: germline.
Comment: In summary, the available evidence is currently insufficient to determine the role of this variant in disease. Therefore, it has been classified as a Variant of Uncertain Significance. Algorithms developed to predict the effect of missense changes on protein structure and function output the following: SIFT: "Tolerated"; PolyPhen-2: "Benign"; Align-GVGD: "Class C0". The leucine amino acid residue is found in multiple mammalian species, which suggests that this missense change does not adversely affect protein function. This variant has not been reported in the literature in individuals affected with B4GALNT1-related conditions. This variant is not present in population databases (gnomAD no frequency). This sequence change replaces valine, which is neutral and non-polar, with leucine, which is neutral and non-polar, at codon 402 of the B4GALNT1 protein (p.Val402Leu).